The following is an entry in ClinVar:

NM_145290.4(ADGRA3):c.11C>T (p.Pro4Leu)

Gene: ADGRA3 (adhesion G protein-coupled receptor A3; minus strand). Cytogenetic location: 4p15.2.
Variant type: single nucleotide variant.
Coding change: c.11C>T on transcript NM_145290.4 (MANE Select); coding-DNA position 11, C replaced by T.
Protein change: p.Pro4Leu; replaces proline 4 with leucine.
Molecular consequence: missense variant.
Genome position (GRCh38, 1-based): chr4:22,515,774, G>A on the plus strand (C>T on the coding strand, the complement: ADGRA3 is on the minus strand). VCF-style: chr4-22515774-G-A. GRCh37 (hg19) VCF-style: chr4-22517397-G-A.
Other names: short protein forms P4L.
Identifiers: ClinVar variation 2811470 (VCV002811470.3), dbSNP rs1320585612, ClinGen allele CA356508017.
Genomic context (GRCh38, chr4:22,515,774, plus strand): 5'-AGCGCTAACAGCGAGAGCGGCAGCAACAGCGGCGGCTGCGCGCGGCCCCGCCGGCGTCCG[G>A]GTGGCTCCATGCTGCGGGCCGGGGCCTGCGGGGCGAGCGGCGGCGCACTGGCCTAGCGGG-3'
Protein context (NP_660333.2, residues 1-14): MEP[Pro4Leu]GRRRGRAQPP

ClinVar aggregate classification (germline): Uncertain significance (1 of 4 stars; one submission).

Submission:

Labcorp Genetics (formerly Invitae), Labcorp
Classification: Uncertain significance. Last evaluated: 2022-11-02. Review status: criteria provided, single submitter. Criteria: Invitae Variant Classification Sherloc (09022015). Collection method: clinical testing. Allele origin: germline.
Comment: In summary, the available evidence is currently insufficient to determine the role of this variant in disease. Therefore, it has been classified as a Variant of Uncertain Significance. Algorithms developed to predict the effect of missense changes on protein structure and function are either unavailable or do not agree on the potential impact of this missense change (SIFT: "Tolerated"; PolyPhen-2: "Not Available"; Align-GVGD: "Class C0"). This variant has not been reported in the literature in individuals affected with ADGRA3-related conditions. The frequency data for this variant in the population databases is considered unreliable, as metrics indicate insufficient coverage at this position in the gnomAD database. This sequence change replaces proline, which is neutral and non-polar, with leucine, which is neutral and non-polar, at codon 4 of the ADGRA3 protein (p.Pro4Leu).